The following is an entry in ClinVar:

ClinVar aggregate classification (germline): Uncertain significance. Review status: criteria provided, multiple submitters, no conflicts (2 of 4 stars). 2 submissions from 2 submitters: Uncertain significance (2). Last evaluated 2025-10-03.

Submissions (2):

Women's Health and Genetics/Laboratory Corporation of America, LabCorp
Classification: Uncertain significance. Last evaluated: 2025-10-03. Review status: criteria provided, single submitter. Criteria: LabCorp Variant Classification Summary - May 2015. Collection method: clinical testing. Allele origin: germline.
Comment: Variant summary: PKD1 c.4985T>A (p.Val1662Asp) results in a non-conservative amino acid change in the encoded protein sequence. Algorithms developed to predict the effect of missense changes on protein structure and function are either unavailable or do not agree on the potential impact of this missense change. The variant was absent in 247834 control chromosomes. The available data on variant occurrences in the general population are insufficient to allow any conclusion about variant significance. To our knowledge, no occurrence of c.4985T>A in individuals affected with PKD1-related conditions and no experimental evidence demonstrating its impact on protein function have been reported. ClinVar contains an entry for this variant (Variation ID: 1712795). Based on the evidence outlined above, the variant was classified as uncertain significance.

GeneDx
Classification: Uncertain significance. Last evaluated: 2022-04-25. Review status: criteria provided, single submitter. Criteria: GeneDx Variant Classification Process June 2021. Collection method: clinical testing. Allele origin: germline. Affected: yes.
Comment: Not observed at significant frequency in large population cohorts (gnomAD); In silico analysis supports that this missense variant has a deleterious effect on protein structure/function; Has not been previously published as pathogenic or benign to our knowledge

NM_001009944.3(PKD1):c.4985T>A (p.Val1662Asp)

Gene: PKD1 (polycystin 1, transient receptor potential channel interacting; minus strand). Cytogenetic location: 16p13.3.
Variant type: single nucleotide variant.
Coding change: c.4985T>A on transcript NM_001009944.3 (MANE Select); coding-DNA position 4985, T replaced by A.
Protein change: p.Val1662Asp; replaces valine 1662 with aspartic acid.
Molecular consequence: missense variant.
Genome position (GRCh38, 1-based): chr16:2,110,182, A>T on the plus strand (T>A on the coding strand, the complement: PKD1 is on the minus strand). VCF-style: chr16-2110182-A-T. GRCh37 (hg19) VCF-style: chr16-2160183-A-T.
Other names: c.4985T>A, p.Val1662Asp (NM_000296.4); short protein forms V1662D.
Identifiers: ClinVar variation 1712795 (VCV001712795.3), dbSNP rs2544816535, ClinGen allele CA394378647.
Genomic context (GRCh38, chr16:2,110,182, plus strand): 5'-CCTTTGCCGCTGCCGGCCAGGGCCGGGCCCCTGTCCCTCCAGGCAGTCCAGCTGTAGGAG[A>T]CGTTGGTGCCATCCCTAACCACGGCCTGCAGCTGTACCGTGTGGTTGGTGGGGAAGTAGC-3'
Protein context (NP_001009944.3, residues 1652-1672): LQAVVRDGTN[Val1662Asp]SYSWTAWRDR